The following is an entry in ClinVar:

ClinVar aggregate classification (germline): Benign. Review status: criteria provided, multiple submitters, no conflicts (2 of 4 stars). 4 submissions from 4 submitters: Benign (4). Last evaluated 2026-01-31.

Conditions:
Deficiency of alpha-mannosidase (MANSA). Also called: Alpha-Mannosidosis; LYSOSOMAL ALPHA-D-MANNOSIDASE DEFICIENCY; Mannosidosis, alpha-, types I and II. Identifiers: Orphanet 61, MedGen C0024748, MONDO:0009561, OMIM 248500.

Allele frequency attached by ClinVar (database versions not stated): 1000 Genomes Project 0.00958; 1000 Genomes Project 30x 0.01109; gnomAD 0.01148; TOPMed 0.01177; ESP Exome Variant Server 0.01253.
gnomAD v4.1: 3,436 of 1,613,832 alleles (0.21%); highest among the groups gnomAD compares: African/African-American, 3.7%; 64 homozygotes.

Submissions (4):

Labcorp Genetics (formerly Invitae), Labcorp
Classification: Benign for Deficiency of alpha-mannosidase. Last evaluated: 2026-01-31. Review status: criteria provided, single submitter. Criteria: Invitae Variant Classification Sherloc (09022015). Collection method: clinical testing. Allele origin: germline.

Mayo Clinic Laboratories, Mayo Clinic
Classification: Benign. Last evaluated: 2021-06-29. Review status: criteria provided, single submitter. Criteria: ACMG Guidelines, 2015. Collection method: clinical testing. Allele origin: germline. Observed: 12 variant alleles.

Illumina Laboratory Services, Illumina
Classification: Benign for Deficiency of alpha-mannosidase. Last evaluated: 2018-01-13. Review status: criteria provided, single submitter. Criteria: ICSL Variant Classification Criteria 13 December 2019. Collection method: clinical testing. Allele origin: germline.
Comment: This variant was observed in the ICSL laboratory as part of a predisposition screen in an ostensibly healthy population. It had not been previously curated by ICSL or reported in the Human Gene Mutation Database (HGMD: prior to June 1st, 2018), and was therefore a candidate for classification through an automated scoring system. Utilizing variant allele frequency, disease prevalence and penetrance estimates, and inheritance mode, an automated score was calculated to assess if this variant is too frequent to cause the disease. Based on the score and internal cut-off values, a variant classified as benign is not then subjected to further curation. The score for this variant resulted in a classification of benign for this disease.

Breakthrough Genomics
Classification: Benign. Review status: criteria provided, single submitter. Criteria: ACMG Guidelines, 2015. Collection method: not provided. Allele origin: germline. Inheritance: Autosomal recessive inheritance. Affected: yes.

NM_000528.4(MAN2B1):c.1935C>T (p.Asn645=)

Gene: MAN2B1 (mannosidase alpha class 2B member 1; minus strand). Cytogenetic location: 19p13.13.
Variant type: single nucleotide variant.
Coding change: c.1935C>T on transcript NM_000528.4 (MANE Select); coding-DNA position 1935, C replaced by T.
Protein change: p.Asn645=; no amino-acid change (asparagine 645 retained).
Molecular consequence: synonymous variant.
Genome position (GRCh38, 1-based): chr19:12,652,264, G>A on the plus strand (C>T on the coding strand, the complement: MAN2B1 is on the minus strand). VCF-style: chr19-12652264-G-A. GRCh37 (hg19) VCF-style: chr19-12763078-G-A.
Other names: p.Asn645=; c.1932C>T, p.Asn644= (NM_001173498.2).
Identifiers: ClinVar variation 328264 (VCV000328264.17), dbSNP rs34853569, ClinGen allele CA9226257.